The following is an entry in ClinVar:

ClinVar aggregate classification (germline): Uncertain significance (1 of 4 stars; one submission).

gnomAD v4.1: 2 of 1,481,848 alleles (0.00013%); highest among the groups gnomAD compares: Non-Finnish European, 0.00009%; no homozygotes.

Submission:

GeneDx
Classification: Uncertain significance. Last evaluated: 2024-01-02. Review status: criteria provided, single submitter. Criteria: GeneDx Variant Classification Process June 2021. Collection method: clinical testing. Allele origin: germline. Affected: yes.
Comment: Has not been previously published as pathogenic or benign to our knowledge; Not observed at significant frequency in large population cohorts (gnomAD); In silico analysis supports that this missense variant has a deleterious effect on protein structure/function; Reported using an alternate transcript of the gene

NM_001142285.2(RPS24):c.838C>G (p.Pro280Ala)

Gene: RPS24 (ribosomal protein S24; plus strand). Cytogenetic location: 10q22.3.
Variant type: single nucleotide variant.
Coding change: c.838C>G on transcript NM_001142285.2; coding-DNA position 838, C replaced by G.
Protein change: p.Pro280Ala; replaces proline 280 with alanine.
Molecular consequence: missense variant.
Genome position (GRCh38, 1-based): chr10:78,054,978, C>G. VCF-style: chr10-78054978-C-G. GRCh37 (hg19) VCF-style: chr10-79814736-C-G.
Other names: short protein forms P280A.
Identifiers: ClinVar variation 3367444 (VCV003367444.1).